The following continues an entry in ClinVar:

NM_007294.4(BRCA1):c.4065_4068del (p.Asn1355fs)

ClinVar aggregate classification (germline): Pathogenic. Pathogenic (1).

Submissions 41 to 62 of 69:

Women's Health and Genetics/Laboratory Corporation of America, LabCorp
Classification: Pathogenic for Hereditary breast ovarian cancer syndrome. Last evaluated: 2017-08-22. Review status: criteria provided, single submitter. Criteria: LabCorp Variant Classification Summary - May 2015. Collection method: clinical testing. Allele origin: germline. Not counted in ClinVar's aggregate classification.
Comment: Variant summary: The BRCA1 c.4065_4068delTCAA (p.Asn1355Lysfs) variant results in a premature termination codon, predicted to cause a truncated or absent BRCA1 protein due to nonsense mediated decay, which are commonly known mechanisms for disease. Truncations downstream of this position have been classified as pathogenic by our laboratory (e.g. c.4117G>T, p.Glu1373X; c.4158_4162delCTCTC, p.Ser1387fs). This variant has been reported in numerous HBOC patients with positive family history (e.g. Langston 1996, Spitzer 2000, Evans 2004, Borg 2010). This variant is absent in 121322 control chromosomes, suggesting that it is not a common, benign variant. In addition, multiple clinical diagnostic laboratories/reputable databases classified this variant as pathogenic. Taken together, this variant is classified as pathogenic.

Bioinformatics dept., Datar Cancer Genetics Limited, India
Classification: Pathogenic for Breast-ovarian cancer, familial, susceptibility to, 1. Last evaluated: 2017-07-21. Review status: criteria provided, single submitter. Criteria: ACMG Guidelines, 2015. Collection method: clinical testing. Allele origin: germline. Inheritance: Autosomal dominant inheritance. Affected: yes. Observed: 1 variant allele, 1 heterozygote. Not counted in ClinVar's aggregate classification.

Clinical Genetics DNA and cytogenetics Diagnostics Lab, Erasmus MC, Erasmus Medical Center
Classification: Pathogenic for Breast-ovarian cancer, familial, susceptibility to, 1. Last evaluated: 2017-05-31. Review status: criteria provided, single submitter. Criteria: ACGS Guidelines, 2013. Collection method: clinical testing. Allele origin: germline. Affected: yes. Study: VKGL Data-share Consensus. Not counted in ClinVar's aggregate classification.

Baylor Genetics
Classification: Pathogenic for Familial cancer of breast. Last evaluated: 2017-02-23. Review status: criteria provided, single submitter. Criteria: ACMG Guidelines, 2015. Collection method: clinical testing. Allele origin: germline. Inheritance: Autosomal dominant inheritance. Affected: yes. Observed: 1 variant allele. Not counted in ClinVar's aggregate classification.

CHEO Genetics Diagnostic Laboratory, Children's Hospital of Eastern Ontario
Classification: Pathogenic for Hereditary breast ovarian cancer syndrome. Last evaluated: 2017-02-01. Review status: criteria provided, single submitter. Criteria: ACMG Guidelines, 2015. Collection method: clinical testing. Allele origin: germline. Study: The Canadian Open Genetics Repository (COGR). Not counted in ClinVar's aggregate classification.

Genologica Medica
Classification: Pathogenic for Breast-ovarian cancer, familial, susceptibility to, 1. Last evaluated: 2017-01-01. Review status: criteria provided, single submitter. Criteria: ACMG Guidelines, 2015. Collection method: clinical testing. Allele origin: germline. Affected: yes. Not counted in ClinVar's aggregate classification.

GeneKor MSA
Classification: Pathogenic. Last evaluated: 2016-07-01. Review status: criteria provided, single submitter. Criteria: ACMG Guidelines, 2015. Collection method: clinical testing. Allele origin: germline. Not counted in ClinVar's aggregate classification.

Department of Medical Genetics, Oslo University Hospital
Classification: Pathogenic for Breast-ovarian cancer, familial, susceptibility to, 1. Last evaluated: 2015-11-20. Review status: criteria provided, single submitter. Criteria: ACMG Guidelines, 2015. Collection method: clinical testing. Allele origin: germline. Affected: yes. Observed: 12 variant alleles. Not counted in ClinVar's aggregate classification.

Consortium of Investigators of Modifiers of BRCA1/2 (CIMBA), c/o University of Cambridge
Classification: Pathogenic for Breast-ovarian cancer, familial, susceptibility to, 1. Last evaluated: 2015-10-02. Review status: criteria provided, single submitter. Criteria: CIMBA Mutation Classification guidelines May 2016. Collection method: clinical testing. Allele origin: germline. Not counted in ClinVar's aggregate classification.

Genesis Genomics
Classification: Pathogenic for Breast-ovarian cancer, familial, susceptibility to, 1. Review status: criteria provided, single submitter. Criteria: ACMG Guidelines, 2015. Collection method: clinical testing. Allele origin: germline. Affected: yes. Observed: 1 variant allele. Not counted in ClinVar's aggregate classification.

Institute of Genomics, University of Tartu
Classification: Pathogenic for Breast-ovarian cancer, familial, susceptibility to, 1. Review status: criteria provided, single submitter. Criteria: ACMG Guidelines, 2015. Collection method: research. Allele origin: germline. Observed: 1 variant allele. Not counted in ClinVar's aggregate classification.

Juno Genomics, Hangzhou Juno Genomics, Inc
Classification: Pathogenic for Breast-ovarian cancer, familial, susceptibility to, 1. Review status: criteria provided, single submitter. Criteria: ACMG Guidelines, 2015. Collection method: clinical testing. Allele origin: germline. Affected: yes. Not counted in ClinVar's aggregate classification.
Comment: Null variant in a gene where loss of function (LOF) is a known mechanism of disease.;The prevalence of the variant in affected individuals is significantly increased compared to the prevalence in controls.;Absent from controls (or at extremely low frequency if recessive) in Genome Aggregation Database, Exome Sequencing Project, 1000 Genomes Project, or Exome Aggregation Consortium.

Juno Genomics, Hangzhou Juno Genomics, Inc
Classification: Pathogenic for Breast-ovarian cancer, familial, susceptibility to, 1; Pancreatic cancer, susceptibility to, 4; Fanconi anemia, complementation group S. Review status: criteria provided, single submitter. Criteria: ACMG Guidelines, 2015. Collection method: clinical testing. Allele origin: germline. Not counted in ClinVar's aggregate classification.
Comment: Null variant in a gene where loss of function (LOF) is a known mechanism of disease.;Novel missense change at an amino acid residue where a different missense change determined to be pathogenic has been seen before.;The prevalence of the variant in affected individuals is significantly increased compared to the prevalence in controls.

Neuberg Centre For Genomic Medicine, NCGM
Classification: Likely pathogenic for Breast-ovarian cancer, familial, susceptibility to, 1. Review status: criteria provided, single submitter. Criteria: ACMG Guidelines, 2015. Collection method: clinical testing. Allele origin: germline. Inheritance: Autosomal dominant inheritance. Affected: yes. Not counted in ClinVar's aggregate classification.
Comment: The c.4065_4068del (p.Asn1355LysfsTer10) frameshift variant in BRCA1 gene has been reported previously in multiple individuals and families affected with breast and ovarian cancer (Farooq et al., 2011; Meindl, 2002). The p.Asn1355LysfsTer10 variant is reported with the allele frequency (0.001%) in the gnomAD Exomes and is novel (not in any individuals) in 1000 Genomes. This variant has been reported to the ClinVar database as Pathogenic. This variant causes a frameshift starting with codon Asparagine 1355, changes this amino acid to Lysine residue, and creates a premature Stop codon at position 10 of the new reading frame, denoted p.Asn1355LysfsTer10. Loss-offunction variants in BRCA1 are known to be pathogenic (Borg et al., 2010). For these reasons, this variant has been classified as Pathogenic.

University Health Network, Familial Cancer Clinic, Princess Margaret Cancer Centre
Classification: Pathogenic for BRCA1-related cancer predisposition. Review status: criteria provided, single submitter. Criteria: ACMG Guidelines, 2015. Collection method: clinical testing. Allele origin: germline. Inheritance: Autosomal dominant inheritance. Affected: yes. Observed: 3 variant alleles. Clinical features observed: Breast carcinoma (HP:0003002), Ovarian carcinoma (HP:0025318), Clear cell carcinoma of kidney (HP:0006770). Not counted in ClinVar's aggregate classification.

KCCC/NGS Laboratory, Kuwait Cancer Control Center
Classification: Pathogenic for Breast-ovarian cancer, familial, susceptibility to, 1. Last evaluated: 2023-05-05. Review status: no assertion criteria provided. Collection method: clinical testing. Allele origin: germline. Affected: yes. Not counted in ClinVar's aggregate classification.
Comment: A known pathogenic mutation was detected in the BRCA1 gene in this specimen. This sequence change creates a premature translational stop signal (p.Asn1355Lysfs*10) in the BRCA1 gene. It is expected to result in an absent or disrupted protein product. This variant has been reported in multiple individuals and families affected with breast and ovarian cancer (PMID: 14757871, 8571953, 11802209, 21559243). This variant is also known as 4184del4 in the literature. Loss-of-function variants in BRCA1 are known to be pathogenic (PMID: 20104584). For these reasons, this variant has been classified as Pathogenic.

BRCAlab, Lund University
Classification: Pathogenic for Breast-ovarian cancer, familial, susceptibility to, 1. Last evaluated: 2022-08-26. Review status: no assertion criteria provided. Collection method: clinical testing. Allele origin: germline. Affected: yes. Not counted in ClinVar's aggregate classification.

Molecular Oncology, Hospital Universitario Central de Asturias (HUCA)
Classification: Pathogenic for Breast-ovarian cancer, familial, susceptibility to, 1. Last evaluated: 2021-05-24. Review status: no assertion criteria provided. Collection method: case-control. Allele origin: germline. Affected: yes. Not counted in ClinVar's aggregate classification.

CZECANCA consortium
Classification: Pathogenic for Breast and/or ovarian cancer. Last evaluated: 2019-06-11. Review status: no assertion criteria provided. Collection method: clinical testing. Allele origin: germline. Affected: yes. Observed: 1 variant allele. Not counted in ClinVar's aggregate classification.

Counsyl
Classification: Likely pathogenic for Breast-ovarian cancer, familial 1. Last evaluated: 2014-11-14. Review status: no assertion criteria provided. Collection method: literature only. Allele origin: unknown. Inheritance: Autosomal dominant inheritance. Not counted in ClinVar's aggregate classification.

Research Molecular Genetics Laboratory, Women's College Hospital, University of Toronto
Classification: Pathogenic for Hereditary breast ovarian cancer syndrome. Last evaluated: 2014-01-31. Review status: no assertion criteria provided. Collection method: research. Allele origin: germline. Affected: yes. Study: The Canadian Open Genetics Repository (COGR). Not counted in ClinVar's aggregate classification.

Sharing Clinical Reports Project (SCRP)
Classification: Pathogenic for Breast-ovarian cancer, familial 1. Last evaluated: 2013-03-21. Review status: no assertion criteria provided. Collection method: clinical testing. Allele origin: germline. Not counted in ClinVar's aggregate classification.